The following is an entry in ClinVar:

NM_000264.5(PTCH1):c.226C>T (p.Pro76Ser)

Gene: PTCH1 (patched 1; minus strand). Cytogenetic location: 9q22.32.
Variant type: single nucleotide variant.
Coding change: c.226C>T on transcript NM_000264.5 (MANE Select); coding-DNA position 226, C replaced by T.
Protein change: p.Pro76Ser; replaces proline 76 with serine.
Molecular consequence: missense variant. On other transcripts: 5 prime UTR variant (4), non-coding transcript variant (1).
Genome position (GRCh38, 1-based): chr9:95,506,575, G>A on the plus strand (C>T on the coding strand, the complement: PTCH1 is on the minus strand). VCF-style: chr9-95506575-G-A. GRCh37 (hg19) VCF-style: chr9-98268857-G-A.
Other names: c.28C>T, p.Pro10Ser (NM_001083602.3, NM_001354919.2); c.223C>T, p.Pro75Ser (NM_001083603.3); c.-228C>T (NM_001083604.3, NM_001083605.3, NM_001083606.3 and 1 more transcripts); c.226C>T, p.Pro76Ser (NM_001354918.2); short protein forms P10S, P76S, P75S.
Identifiers: ClinVar variation 820989 (VCV000820989.15), dbSNP rs997156828, ClinGen allele CA196553401.

ClinVar aggregate classification (germline): Uncertain significance. Review status: criteria provided, multiple submitters, no conflicts (2 of 4 stars). 2 submissions from 2 submitters: Uncertain significance (2). Last evaluated 2025-07-18.

Conditions:
Hereditary cancer-predisposing syndrome. Also called: Hereditary Cancer Syndrome; Neoplastic Syndromes, Hereditary; Hereditary neoplastic syndrome; Tumor predisposition. Identifiers: Orphanet 140162, MedGen C0027672, MeSH D009386, MONDO:0015356.
Gorlin syndrome. Also called: Nevoid Basal Cell Carcinoma Syndrome; Basal cell nevus syndrome. Identifiers: Orphanet 377, MedGen C0004779, MONDO:0007187.

Allele frequency attached by ClinVar (database versions not stated): gnomAD 0.00001; TOPMed 0.00001.
gnomAD v4.1: 4 of 1,612,436 alleles (0.00025%); highest among the groups gnomAD compares: African/African-American, 0.0053%; no homozygotes.

Submissions (2):

Ambry Genetics
Classification: Uncertain significance for Hereditary cancer-predisposing syndrome. Last evaluated: 2025-07-18. Review status: criteria provided, single submitter. Criteria: Ambry Variant Classification Scheme 2023. Collection method: clinical testing. Allele origin: germline.
Comment: The p.P76S variant (also known as c.226C>T), located in coding exon 2 of the PTCH1 gene, results from a C to T substitution at nucleotide position 226. The proline at codon 76 is replaced by serine, an amino acid with similar properties. This amino acid position is highly conserved in available vertebrate species. In addition, this alteration is predicted to be deleterious by in silico analysis. Based on the available evidence, the clinical significance of this variant remains unclear.

Labcorp Genetics (formerly Invitae), Labcorp
Classification: Uncertain significance for Gorlin syndrome. Last evaluated: 2024-04-30. Review status: criteria provided, single submitter. Criteria: Invitae Variant Classification Sherloc (09022015). Collection method: clinical testing. Allele origin: germline.
Comment: This sequence change replaces proline, which is neutral and non-polar, with serine, which is neutral and polar, at codon 76 of the PTCH1 protein (p.Pro76Ser). This variant is not present in population databases (gnomAD no frequency). This variant has not been reported in the literature in individuals affected with PTCH1-related conditions. ClinVar contains an entry for this variant (Variation ID: 820989). Advanced modeling of protein sequence and biophysical properties (such as structural, functional, and spatial information, amino acid conservation, physicochemical variation, residue mobility, and thermodynamic stability) performed at Invitae indicates that this missense variant is not expected to disrupt PTCH1 protein function with a negative predictive value of 95%. In summary, the available evidence is currently insufficient to determine the role of this variant in disease. Therefore, it has been classified as a Variant of Uncertain Significance.